The following is an entry in ClinVar:

ClinVar aggregate classification (germline): Uncertain significance (1 of 4 stars; one submission).

gnomAD v4.1: 2 of 1,599,472 alleles (0.00013%); highest among the groups gnomAD compares: Non-Finnish European, 0.00017%; no homozygotes.

Submission:

GeneDx
Classification: Uncertain significance. Last evaluated: 2024-02-16. Review status: criteria provided, single submitter. Criteria: GeneDx Variant Classification Process June 2021. Collection method: clinical testing. Allele origin: germline. Affected: yes.
Comment: Not observed at significant frequency in large population cohorts (gnomAD); In silico analysis supports that this missense variant has a deleterious effect on protein structure/function; Has not been previously published as pathogenic or benign to our knowledge

NM_001277115.2(DNAH11):c.7180C>A (p.Pro2394Thr)

Gene: DNAH11 (dynein axonemal heavy chain 11; plus strand). Cytogenetic location: 7p15.3.
Variant type: single nucleotide variant.
Coding change: c.7180C>A on transcript NM_001277115.2 (MANE Select); coding-DNA position 7180, C replaced by A.
Protein change: p.Pro2394Thr; replaces proline 2394 with threonine.
Molecular consequence: missense variant.
Genome position (GRCh38, 1-based): chr7:21,720,770, C>A. VCF-style: chr7-21720770-C-A. GRCh37 (hg19) VCF-style: chr7-21760388-C-A.
Other names: short protein forms P2394T.
Identifiers: ClinVar variation 3369222 (VCV003369222.1).